The following is an entry in ClinVar:

NM_014989.7(RIMS1):c.1361A>G (p.His454Arg)

Gene: RIMS1 (regulating synaptic membrane exocytosis 1; plus strand). Cytogenetic location: 6q13.
Variant type: single nucleotide variant.
Coding change: c.1361A>G on transcript NM_014989.7 (MANE Select); coding-DNA position 1361, A replaced by G.
Protein change: p.His454Arg; replaces histidine 454 with arginine.
Molecular consequence: missense variant.
Genome position (GRCh38, 1-based): chr6:72,182,832, A>G. VCF-style: chr6-72182832-A-G. GRCh37 (hg19) VCF-style: chr6-72892535-A-G.
Other names: short protein forms H454R.
Identifiers: ClinVar variation 2838927 (VCV002838927.3), dbSNP rs1413741038, ClinGen allele CA364821020.

ClinVar aggregate classification (germline): Uncertain significance (1 of 4 stars; one submission).

Allele frequency attached by ClinVar (database versions not stated): gnomAD exomes below 0.00001.
gnomAD v4.1: 3 of 1,551,786 alleles (0.00019%); highest among the groups gnomAD compares: Non-Finnish European, 0.00017%; no homozygotes.

Submission:

Labcorp Genetics (formerly Invitae), Labcorp
Classification: Uncertain significance. Last evaluated: 2023-02-18. Review status: criteria provided, single submitter. Criteria: Invitae Variant Classification Sherloc (09022015). Collection method: clinical testing. Allele origin: germline.
Comment: In summary, the available evidence is currently insufficient to determine the role of this variant in disease. Therefore, it has been classified as a Variant of Uncertain Significance. An algorithm developed to predict the effect of missense changes on protein structure and function (PolyPhen-2) suggests that this variant is likely to be tolerated. This variant has not been reported in the literature in individuals affected with RIMS1-related conditions. This variant is present in population databases (no rsID available, gnomAD 0.005%). This sequence change replaces histidine, which is basic and polar, with arginine, which is basic and polar, at codon 454 of the RIMS1 protein (p.His454Arg).